The following is an entry in ClinVar:

NC_000023.10:g.(?_77266653)_(77268629_?)dup

Gene: ATP7A (ATPase copper transporting alpha; plus strand). Cytogenetic location: Xq21.1.
Variant type: Duplication.
Identifiers: ClinVar variation 465103 (VCV000465103.2).

ClinVar aggregate classification (germline): Uncertain significance (1 of 4 stars; one submission).

Conditions:
Cutis laxa, X-linked (OHS). Also called: EDS IX; Occipital horn syndrome. Identifiers: Orphanet 198, MedGen C0268353, MONDO:0010572, OMIM 304150.
Menkes kinky-hair syndrome (MNK). Also called: Classic Menkes Disease; Copper transport disease; Menkes Disease. Identifiers: Orphanet 565, MedGen C0022716, MONDO:0010651, OMIM 309400.
X-linked distal spinal muscular atrophy type 3. Also called: SPINAL MUSCULAR ATROPHY, DISTAL, X-LINKED RECESSIVE; ATP7A-Related Distal Motor Neuropathy; NEURONOPATHY, DISTAL HEREDITARY MOTOR, X-LINKED; NEUROPATHY, DISTAL HEREDITARY MOTOR, X-LINKED. Identifiers: Orphanet 139557, MedGen C1845359, MONDO:0010338, OMIM 300489.

Submission:

Labcorp Genetics (formerly Invitae), Labcorp
Classification: Uncertain significance for X-linked distal spinal muscular atrophy type 3; Cutis laxa, X-linked; Menkes kinky-hair syndrome. Last evaluated: 2022-07-12. Review status: criteria provided, single submitter. Criteria: Invitae Variant Classification Sherloc (09022015). Collection method: clinical testing. Allele origin: germline.
Comment: This variant results in a copy number gain of the genomic region encompassing exon(s) 8-23 of the ATP7A gene. This region includes the termination codon of the gene. This copy number gain extends beyond the assayed region for this gene and therefore may encompass additional genes. As the precise location of this event is unknown, it may be in tandem or it may be located elsewhere in the genome. This variant has not been reported in the literature in individuals affected with ATP7A-related conditions. In summary, the available evidence is currently insufficient to determine the role of this variant in disease. Therefore, it has been classified as a Variant of Uncertain Significance.